The following is an entry in ClinVar:

ClinVar aggregate classification (germline): Benign/Likely benign. Review status: criteria provided, multiple submitters, no conflicts (2 of 4 stars). 3 submissions from 3 submitters: Benign (1); Likely benign (1). 1 of the submissions does not count toward it. Last evaluated 2026-01-05.

Conditions:
CYFIP2-related disorder. Also called: CYFIP2-related condition.

Allele frequency attached by ClinVar (database versions not stated): gnomAD exomes 0.00011 and 0.00021; ExAC 0.00022; 1000 Genomes Project 0.00040; 1000 Genomes Project 30x 0.00047; gnomAD 0.00063 and 0.00064; ESP Exome Variant Server 0.00065; TOPMed 0.00077.
gnomAD v4.1: 271 of 1,613,932 alleles (0.017%); highest among the groups gnomAD compares: African/African-American, 0.19%; no homozygotes.

Submissions (3):

Labcorp Genetics (formerly Invitae), Labcorp
Classification: Benign. Last evaluated: 2026-01-05. Review status: criteria provided, single submitter. Criteria: Invitae Variant Classification Sherloc (09022015). Collection method: clinical testing. Allele origin: germline.

Blueprint Genetics
Classification: Likely benign. Last evaluated: 2024-10-22. Review status: criteria provided, single submitter. Criteria: ACMG Guidelines, 2015. Collection method: clinical testing. Allele origin: germline.

PreventionGenetics, part of Exact Sciences
Classification: Likely benign for CYFIP2-related condition. Last evaluated: 2019-07-03. Review status: no assertion criteria provided. Collection method: clinical testing. Allele origin: germline. Not counted in ClinVar's aggregate classification.
Comment: This variant is classified as likely benign based on ACMG/AMP sequence variant interpretation guidelines (Richards et al. 2015 PMID: 25741868, with internal and published modifications).

NM_001037333.3(CYFIP2):c.2784C>T (p.Val928=)

Gene: CYFIP2 (cytoplasmic FMR1 interacting protein 2; plus strand). Cytogenetic location: 5q33.3.
Variant type: single nucleotide variant.
Coding change: c.2784C>T on transcript NM_001037333.3 (MANE Select); coding-DNA position 2784, C replaced by T.
Protein change: p.Val928=; no amino-acid change (valine 928 retained).
Molecular consequence: synonymous variant.
Genome position (GRCh38, 1-based): chr5:157,359,115, C>T. VCF-style: chr5-157359115-C-T. GRCh37 (hg19) VCF-style: chr5-156786123-C-T.
Other names: c.2859C>T (NM_001291722.1); c.2706C>T, p.Val902= (NM_001291721.2); c.2859C>T, p.Val953= (NM_001291722.2); c.2784C>T, p.Val928= (NM_014376.4).
Identifiers: ClinVar variation 1565021 (VCV001565021.11), dbSNP rs186955009, ClinGen allele CA3534127.